The following is an entry in ClinVar:

ClinVar aggregate classification (germline): Uncertain significance. Review status: criteria provided, multiple submitters, no conflicts (2 of 4 stars). 4 submissions from 4 submitters: Uncertain significance (4). Last evaluated 2025-10-08.

Conditions:
Developmental and epileptic encephalopathy, 18 (DEE18). Also called: Early infantile epileptic encephalopathy 18. Identifiers: Orphanet 369894, MedGen C3809624, MONDO:0014201, OMIM 615476.
Inborn genetic diseases. Identifiers: MedGen C0950123, MeSH D030342.

Allele frequency attached by ClinVar (database versions not stated): gnomAD 0.00001; ExAC 0.00002; gnomAD exomes 0.00002.
gnomAD v4.1: 21 of 1,608,752 alleles (0.0013%); highest among the groups gnomAD compares: Non-Finnish European, 0.0015%; no homozygotes.

Submissions (4):

Ambry Genetics
Classification: Uncertain significance for Inborn genetic diseases. Last evaluated: 2025-10-08. Review status: criteria provided, single submitter. Criteria: Ambry Variant Classification Scheme 2023. Collection method: clinical testing. Allele origin: germline.

Labcorp Genetics (formerly Invitae), Labcorp
Classification: Uncertain significance. Last evaluated: 2024-10-16. Review status: criteria provided, single submitter. Criteria: Invitae Variant Classification Sherloc (09022015). Collection method: clinical testing. Allele origin: germline.
Comment: This sequence change replaces phenylalanine, which is neutral and non-polar, with leucine, which is neutral and non-polar, at codon 2366 of the SZT2 protein (p.Phe2366Leu). This variant is present in population databases (rs755853594, gnomAD 0.004%). This variant has not been reported in the literature in individuals affected with SZT2-related conditions. ClinVar contains an entry for this variant (Variation ID: 1059418). Invitae Evidence Modeling of protein sequence and biophysical properties (such as structural, functional, and spatial information, amino acid conservation, physicochemical variation, residue mobility, and thermodynamic stability) indicates that this missense variant is not expected to disrupt SZT2 protein function with a negative predictive value of 80%. In summary, the available evidence is currently insufficient to determine the role of this variant in disease. Therefore, it has been classified as a Variant of Uncertain Significance.

CeGaT Center for Human Genetics Tuebingen
Classification: Uncertain significance. Last evaluated: 2024-02-01. Review status: criteria provided, single submitter. Criteria: CeGaT Center For Human Genetics Tuebingen Variant Classification Criteria Version 2. Collection method: clinical testing. Allele origin: germline. Affected: yes. Observed: 1 variant allele.
Comment: SZT2: PM2

Genome-Nilou Lab
Classification: Uncertain significance for Developmental and epileptic encephalopathy, 18. Last evaluated: 2023-04-11. Review status: criteria provided, single submitter. Criteria: ACMG Guidelines, 2015. Collection method: clinical testing. Allele origin: germline. Affected: no.

NM_001365999.1(SZT2):c.7267T>C (p.Phe2423Leu)

Gene: SZT2 (SZT2 subunit of KICSTOR complex; plus strand). Cytogenetic location: 1p34.2.
Variant type: single nucleotide variant.
Coding change: c.7267T>C on transcript NM_001365999.1 (MANE Select); coding-DNA position 7267, T replaced by C.
Protein change: p.Phe2423Leu; replaces phenylalanine 2423 with leucine.
Molecular consequence: missense variant.
Genome position (GRCh38, 1-based): chr1:43,440,509, T>C. VCF-style: chr1-43440509-T-C. GRCh37 (hg19) VCF-style: chr1-43906180-T-C.
Other names: c.7096T>C, p.Phe2366Leu (NM_015284.4); short protein forms F2366L, F2423L.
Identifiers: ClinVar variation 1059418 (VCV001059418.33), dbSNP rs755853594, ClinGen allele CA810172.